The following is an entry in ClinVar:

NM_007294.4(BRCA1):c.4185+563A>G

Gene: BRCA1 (BRCA1 DNA repair associated; minus strand). Cytogenetic location: 17q21.31.
Variant type: single nucleotide variant.
Coding change: c.4185+563A>G on transcript NM_007294.4 (MANE Select); 563 bases into the intron after coding-DNA position 4185, A replaced by G.
Molecular consequence: intron variant.
Genome position (GRCh38, 1-based): chr17:43,090,381, T>C on the plus strand (A>G on the coding strand, the complement: BRCA1 is on the minus strand). VCF-style: chr17-43090381-T-C. GRCh37 (hg19) VCF-style: chr17-41242398-T-C.
Other names: IVS 12+563A>G; c.4104+563A>G (NM_001407662.1, NM_001407660.1, NM_001407661.1 and 1 more transcripts); c.798+563A>G (NM_001408412.1, NM_001408409.1, NM_001408414.1 and 2 more transcripts); c.4107+563A>G (NM_001407656.1, NM_001407657.1, NM_001407654.1 and 4 more transcripts); c.540+563A>G (NM_001408509.1, NM_001408508.1); c.663+563A>G (NM_001408491.1, NM_001408493.1, NM_001408490.1); c.3972+563A>G (NM_001407918.1, NM_001407894.1, NM_001407899.1 and 9 more transcripts); c.3852+563A>G (NM_001407957.1, NM_001407953.1, NM_001407949.1 and 6 more transcripts); and 42 more.
Identifiers: ClinVar variation 209440 (VCV000209440.2), dbSNP rs8176155, ClinGen allele CA276412.
Genomic context (GRCh38, chr17:43,090,381, plus strand): 5'-TCTCTTGATACAGTAAGTGCCGTCATGTTTTTGCTATAGGGGAAATGATGTGTTTTTGTT[T>C]GTTTGTTTTTGAGATGGAGTCTCACTTTGTCACCCAGGCTGGAGTGCAGTGGTACAATCC-3'

ClinVar aggregate classification (germline): Benign (3 of 4 stars; one submission).

Conditions:
Breast-ovarian cancer, familial, susceptibility to, 1 (BROVCA1). Also called: BRCA1 Hereditary Breast and Ovarian Cancer; OVARIAN CANCER, SUSCEPTIBILITY TO. Identifiers: Orphanet 145, MedGen C2676676, MONDO:0011450, OMIM 604370. Disease mechanism: loss of function.

Allele frequency attached by ClinVar (database versions not stated): 1000 Genomes Project 30x 0.00078; 1000 Genomes Project 0.00100; gnomAD 0.00130 and 0.00140; TOPMed 0.00160.
gnomAD v4.1: 195 of 152,292 alleles (0.13%); highest among the groups gnomAD compares: African/African-American, 0.45%; 1 homozygote.

Submission:

Evidence-based Network for the Interpretation of Germline Mutant Alleles (ENIGMA)
Classification: Benign for Breast-ovarian cancer, familial 1. Last evaluated: 2015-01-12. Review status: reviewed by expert panel. Criteria: ENIGMA BRCA1/2 Classification Criteria (2015). Collection method: curation. Allele origin: germline.
Comment: Class 1 not pathogenic based on frequency >1% in an outbred sampleset. Frequency 0.01016 (African), derived from 1000 genomes (2012-04-30).